The following is an entry in ClinVar:

ClinVar aggregate classification (germline): Benign. Review status: reviewed by expert panel (3 of 4 stars). 2 submissions from 2 submitters: Benign (1). 1 of the submissions does not count toward it. Last evaluated 2020-07-02.

Conditions:
Glanzmann thrombasthenia. Also called: BLEEDING DISORDER, PLATELET-TYPE, 2; THROMBASTHENIA OF GLANZMANN AND NAEGELI; PLATELET GLYCOPROTEIN IIb-IIIa DEFICIENCY; Glanzmann's thrombasthenia; Thrombasthenia. Identifiers: Orphanet 849, MedGen C0040015, MONDO:0100326.

Allele frequency attached by ClinVar (database versions not stated): gnomAD 0.00361 and 0.00491; TOPMed 0.00389; ESP Exome Variant Server 0.00438; gnomAD exomes 0.00719 and 0.00954; ExAC 0.01012; 1000 Genomes Project 30x 0.01077; 1000 Genomes Project 0.01198.
gnomAD v4.1: 11,334 of 1,613,850 alleles (0.7%); highest among the groups gnomAD compares: South Asian, 4.8%; 167 homozygotes.

Submissions (2):

ClinGen Platelet Disorders Variant Curation Expert Panel, ClinGen
Classification: Benign for Glanzmann thrombasthenia. Last evaluated: 2020-07-02. Review status: reviewed by expert panel. Criteria: ClinGen Platelet ACMG Specifications v2. Collection method: curation. Allele origin: germline. Inheritance: Autosomal recessive inheritance.
Comment: The NM_000212.2:c.362-30G>A intronic variant is reported at a high frequency in South Asians in gnomAD and 1000 Genomes population databases (0.047) and is not predicted to have an impact on splicing. It is classified benign as the variant meets criteria for BA1. GT-specific criteria applied: BA1 and BP7.

Breakthrough Genomics
Classification: Benign. Review status: criteria provided, single submitter. Criteria: ACMG Guidelines, 2015. Collection method: not provided. Allele origin: germline. Inheritance: Autosomal recessive inheritance. Affected: yes. Not counted in ClinVar's aggregate classification.

NM_000212.3(ITGB3):c.362-30G>A

Gene: ITGB3 (integrin subunit beta 3; plus strand). Cytogenetic location: 17q21.32.
Variant type: single nucleotide variant.
Coding change: c.362-30G>A on transcript NM_000212.3 (MANE Select); 30 bases into the intron before coding-DNA position 362, G replaced by A.
Molecular consequence: intron variant.
Genome position (GRCh38, 1-based): chr17:47,284,413, G>A. VCF-style: chr17-47284413-G-A. GRCh37 (hg19) VCF-style: chr17-45361779-G-A.
Identifiers: ClinVar variation 953011 (VCV000953011.4), dbSNP rs147055245, ClinGen allele CA8622942.